The following is an entry in ClinVar:

ClinVar aggregate classification (germline): Uncertain significance (1 of 4 stars; one submission).

Conditions:
Chédiak-Higashi syndrome (CHS). Also called: Chediak-Higashi Syndrome. Identifiers: Orphanet 167, MedGen C0007965, MONDO:0008963, OMIM 214500.

Allele frequency attached by ClinVar (database versions not stated): gnomAD exomes below 0.00001; TOPMed below 0.00001; ExAC 0.00001; gnomAD 0.00001.
gnomAD v4.1: 4 of 1,594,526 alleles (0.00025%); highest among the groups gnomAD compares: Non-Finnish European, 0.00034%; no homozygotes.

Submission:

Labcorp Genetics (formerly Invitae), Labcorp
Classification: Uncertain significance for Chédiak-Higashi syndrome. Last evaluated: 2021-09-02. Review status: criteria provided, single submitter. Criteria: Invitae Variant Classification Sherloc (09022015). Collection method: clinical testing. Allele origin: germline.
Comment: This sequence change replaces glycine with valine at codon 1322 of the LYST protein (p.Gly1322Val). The glycine residue is moderately conserved and there is a moderate physicochemical difference between glycine and valine. This variant is present in population databases (rs761149802, ExAC 0.002%). This variant has not been reported in the literature in individuals affected with LYST-related conditions. Algorithms developed to predict the effect of missense changes on protein structure and function are either unavailable or do not agree on the potential impact of this missense change (SIFT: "Deleterious"; PolyPhen-2: "Probably Damaging"; Align-GVGD: "Class C0"). In summary, the available evidence is currently insufficient to determine the role of this variant in disease. Therefore, it has been classified as a Variant of Uncertain Significance.

NM_000081.4(LYST):c.3965G>T (p.Gly1322Val)

Gene: LYST (lysosomal trafficking regulator; minus strand). Cytogenetic location: 1q42.3.
Variant type: single nucleotide variant.
Coding change: c.3965G>T on transcript NM_000081.4 (MANE Select); coding-DNA position 3965, G replaced by T.
Protein change: p.Gly1322Val; replaces glycine 1322 with valine.
Molecular consequence: missense variant.
Genome position (GRCh38, 1-based): chr1:235,800,361, C>A on the plus strand (G>T on the coding strand, the complement: LYST is on the minus strand). VCF-style: chr1-235800361-C-A. GRCh37 (hg19) VCF-style: chr1-235963661-C-A.
Other names: c.3965G>T, p.Gly1322Val (NM_001301365.1); short protein forms G1322V.
Identifiers: ClinVar variation 1450552 (VCV001450552.5), dbSNP rs761149802, ClinGen allele CA1466954.